The following is an entry in ClinVar:

ClinVar aggregate classification (germline): Uncertain significance. Review status: criteria provided, multiple submitters, no conflicts (2 of 4 stars). 3 submissions from 3 submitters: Uncertain significance (3). Last evaluated 2026-04-22.

Conditions:
PAX3-related disorder. Also called: PAX3-related condition.

Allele frequency attached by ClinVar (database versions not stated): gnomAD exomes 0.00005 and 0.00020; ExAC 0.00007; gnomAD 0.00010; TOPMed 0.00011; ESP Exome Variant Server 0.00023.

Submissions (3):

PreventionGenetics, part of Exact Sciences
Classification: Uncertain significance for PAX3-related condition. Last evaluated: 2026-04-22. Review status: criteria provided, single submitter. Criteria: ACMG Guidelines, 2015. Collection method: clinical testing. Allele origin: germline.
Comment: The PAX3 c.382A>G variant is predicted to result in the amino acid substitution p.Met128Val. To our knowledge, this variant has not been reported in the literature. This variant is reported in 0.010% of alleles in individuals of European (Non-Finnish) descent in gnomAD. At this time, the clinical significance of this variant is uncertain due to the absence of conclusive functional and genetic evidence.

Labcorp Genetics (formerly Invitae), Labcorp
Classification: Uncertain significance. Last evaluated: 2026-01-27. Review status: criteria provided, single submitter. Criteria: Invitae Variant Classification Sherloc (09022015). Collection method: clinical testing. Allele origin: germline.
Comment: This sequence change replaces methionine, which is neutral and non-polar, with valine, which is neutral and non-polar, at codon 128 of the PAX3 protein (p.Met128Val). This variant is present in population databases (rs140921855, gnomAD 0.01%). This variant has not been reported in the literature in individuals affected with PAX3-related conditions. ClinVar contains an entry for this variant (Variation ID: 1416595). Invitae Evidence Modeling of protein sequence and biophysical properties (such as structural, functional, and spatial information, amino acid conservation, physicochemical variation, residue mobility, and thermodynamic stability) indicates that this missense variant is not expected to disrupt PAX3 protein function with a negative predictive value of 80%. In summary, the available evidence is currently insufficient to determine the role of this variant in disease. Therefore, it has been classified as a Variant of Uncertain Significance.

Blueprint Genetics
Classification: Uncertain significance. Last evaluated: 2023-09-05. Review status: criteria provided, single submitter. Criteria: ACMG Guidelines, 2015. Collection method: clinical testing. Allele origin: germline.

NM_181458.4(PAX3):c.382A>G (p.Met128Val)

Gene: PAX3 (paired box 3; minus strand). Cytogenetic location: 2q36.1.
Variant type: single nucleotide variant.
Coding change: c.382A>G on transcript NM_181458.4 (MANE Select); coding-DNA position 382, A replaced by G.
Protein change: p.Met128Val; replaces methionine 128 with valine.
Molecular consequence: missense variant.
Genome position (GRCh38, 1-based): chr2:222,295,597, T>C on the plus strand (A>G on the coding strand, the complement: PAX3 is on the minus strand). VCF-style: chr2-222295597-T-C. GRCh37 (hg19) VCF-style: chr2-223160316-T-C.
Other names: c.382A>G, p.Met128Val (NM_000438.6, NM_013942.5, NM_181457.4 and 3 more transcripts); c.379A>G, p.Met127Val (NM_001127366.3); c.382A>G (NM_181457.3); short protein forms M127V, M128V.
Identifiers: ClinVar variation 1416595 (VCV001416595.8), dbSNP rs140921855, ClinGen allele CA2135754.